The following is an entry in ClinVar:

NM_002296.4(LBR):c.811C>T (p.Leu271=)

Gene: LBR (lamin B receptor; minus strand). Cytogenetic location: 1q42.12.
Variant type: single nucleotide variant.
Coding change: c.811C>T on transcript NM_002296.4 (MANE Select); coding-DNA position 811, C replaced by T.
Protein change: p.Leu271=; no amino-acid change (leucine 271 retained).
Molecular consequence: synonymous variant.
Genome position (GRCh38, 1-based): chr1:225,418,010, G>A on the plus strand (C>T on the coding strand, the complement: LBR is on the minus strand). VCF-style: chr1-225418010-G-A. GRCh37 (hg19) VCF-style: chr1-225605712-G-A.
Other names: c.811C>T, p.Leu271= (NM_194442.3).
Identifiers: ClinVar variation 746889 (VCV000746889.11), dbSNP rs34682825, ClinGen allele CA1417375.

ClinVar aggregate classification (germline): Benign/Likely benign. Review status: criteria provided, multiple submitters, no conflicts (2 of 4 stars). 3 submissions from 3 submitters: Benign (1); Likely benign (2). Last evaluated 2026-09-23.

Conditions:
LBR-related disorder. Also called: LBR-related disorders; LBR-related condition.

Allele frequency attached by ClinVar (database versions not stated): gnomAD exomes 0.00004 and 0.00012; ExAC 0.00020; gnomAD 0.00048 and 0.00051; TOPMed 0.00049; 1000 Genomes Project 0.00060; ESP Exome Variant Server 0.00069; 1000 Genomes Project 30x 0.00094.
gnomAD v4.1: 129 of 1,614,116 alleles (0.008%); highest among the groups gnomAD compares: African/African-American, 0.14%; no homozygotes.

Submissions (3):

PreventionGenetics, part of Exact Sciences
Classification: Likely benign for LBR-related condition. Last evaluated: 2026-09-23. Review status: criteria provided, single submitter. Criteria: ACMG Guidelines, 2015. Collection method: clinical testing. Allele origin: germline.
Comment: This variant is classified as likely benign based on ACMG/AMP sequence variant interpretation guidelines (Richards et al. 2015 PMID: 25741868, with internal and published modifications).

Labcorp Genetics (formerly Invitae), Labcorp
Classification: Benign. Last evaluated: 2025-11-24. Review status: criteria provided, single submitter. Criteria: Invitae Variant Classification Sherloc (09022015). Collection method: clinical testing. Allele origin: germline.

Blueprint Genetics
Classification: Likely benign. Last evaluated: 2024-09-09. Review status: criteria provided, single submitter. Criteria: ACMG Guidelines, 2015. Collection method: clinical testing. Allele origin: germline.